The following is an entry in ClinVar:

NM_174936.4(PCSK9):c.1690T>G (p.Ser564Ala)

Gene: PCSK9 (proprotein convertase subtilisin/kexin type 9; plus strand). Cytogenetic location: 1p32.3.
Variant type: single nucleotide variant.
Coding change: c.1690T>G on transcript NM_174936.4 (MANE Select); coding-DNA position 1690, T replaced by G.
Protein change: p.Ser564Ala; replaces serine 564 with alanine.
Molecular consequence: missense variant.
Genome position (GRCh38, 1-based): chr1:55,061,383, T>G. VCF-style: chr1-55061383-T-G. GRCh37 (hg19) VCF-style: chr1-55527056-T-G.
Other names: c.1813T>G, p.Ser605Ala (NM_001407240.1); c.1732T>G, p.Ser578Ala (NM_001407241.1); c.1693T>G, p.Ser565Ala (NM_001407242.1); c.1633T>G, p.Ser545Ala (NM_001407243.1); c.1516T>G, p.Ser506Ala (NM_001407244.1); c.1498T>G, p.Ser500Ala (NM_001407245.1); c.1315T>G, p.Ser439Ala (NM_001407246.1); c.1189T>G, p.Ser397Ala (NM_001407247.1); short protein forms S564A, S397A, S578A, S500A, S545A, S565A, S439A, S506A.
Identifiers: ClinVar variation 926982 (VCV000926982.10), dbSNP rs1263043577, ClinGen allele CA340480159.

ClinVar aggregate classification (germline): Uncertain significance. Review status: criteria provided, multiple submitters, no conflicts (2 of 4 stars). 4 submissions from 4 submitters: Uncertain significance (4). Last evaluated 2024-10-08.

Conditions:
Hypercholesterolemia, autosomal dominant, 3 (FHCL3). Also called: PCSK9-Related Familial Hypercholesterolemia, Autosomal Dominant; Familial hypercholesterolemia 3; Familial Hypercholesterolemia, Autosomal Dominant, 3. Identifiers: MedGen C1863551, MONDO:0011369, OMIM 603776.
Familial hypercholesterolemia. Also called: Familial hypercholesterolaemia; Familial hypercholesterolemias. Identifiers: MedGen C0020445, MONDO:0005439.
Cardiovascular phenotype. Identifiers: MedGen CN230736.

Allele frequency attached by ClinVar (database versions not stated): TOPMed below 0.00001; gnomAD 0.00001.
gnomAD v4.1: 27 of 1,607,666 alleles (0.0017%); highest among the groups gnomAD compares: Non-Finnish European, 0.0022%; no homozygotes.

Submissions (4):

Ambry Genetics
Classification: Uncertain significance for Cardiovascular phenotype. Last evaluated: 2024-10-08. Review status: criteria provided, single submitter. Criteria: Ambry Variant Classification Scheme 2023. Collection method: clinical testing. Allele origin: germline.
Comment: The p.S564A variant (also known as c.1690T>G), located in coding exon 11 of the PCSK9 gene, results from a T to G substitution at nucleotide position 1690. The serine at codon 564 is replaced by alanine, an amino acid with similar properties. This amino acid position is conserved. In addition, this alteration is predicted to be tolerated by in silico analysis. Based on the available evidence, the clinical significance of this variant remains unclear.

All of Us Research Program, National Institutes of Health
Classification: Uncertain significance for Hypercholesterolemia, autosomal dominant, 3. Last evaluated: 2024-07-29. Review status: criteria provided, single submitter. Criteria: ACMG Guidelines, 2015. Collection method: clinical testing. Allele origin: germline. Inheritance: Autosomal dominant inheritance. Observed: 6 variant alleles, 6 heterozygotes.
Comment: This missense variant replaces serine with alanine at codon 564 of the PCSK9 protein. Computational prediction suggests that this variant may not impact protein structure and function (internally defined REVEL score threshold <= 0.5, PMID: 27666373). Splice site prediction tools suggest that this variant may not impact RNA splicing. To our knowledge, functional studies have not been reported for this variant. This variant has not been reported in individuals affected with familial hypercholesterolemia in the literature. This variant has not been identified in the general population by the Genome Aggregation Database (gnomAD). The available evidence is insufficient to determine the role of this variant in disease conclusively. Therefore, this variant is classified as a Variant of Uncertain Significance.

This study involves interpretation of variants in research participants for the purpose of population health screening. Participant phenotype was not available at the time of variant classification. Additional details can be found in publication PMID: 35346344, PMCID: PMC8962531

Color Diagnostics, LLC DBA Color Health
Classification: Uncertain significance for Familial hypercholesterolemia. Last evaluated: 2024-03-06. Review status: criteria provided, single submitter. Criteria: ACMG Guidelines, 2015. Collection method: clinical testing. Allele origin: germline.
Comment: This missense variant replaces serine with alanine at codon 564 of the PCSK9 protein. Computational prediction suggests that this variant may not impact protein structure and function (internally defined REVEL score threshold <= 0.5, PMID: 27666373). To our knowledge, functional studies have not been reported for this variant. This variant has not been reported in individuals affected with PCSK9-related disorders in the literature. This variant has not been identified in the general population by the Genome Aggregation Database (gnomAD). The available evidence is insufficient to determine the role of this variant in disease conclusively. Therefore, this variant is classified as a Variant of Uncertain Significance.

Fulgent Genetics
Classification: Uncertain significance for Hypercholesterolemia, autosomal dominant, 3. Last evaluated: 2021-07-05. Review status: criteria provided, single submitter. Criteria: ACMG Guidelines, 2015. Collection method: clinical testing. Allele origin: unknown.